The following is an entry in ClinVar:

ClinVar aggregate classification (germline): Uncertain significance (1 of 4 stars; one submission).

Submission:

Labcorp Genetics (formerly Invitae), Labcorp
Classification: Uncertain significance. Last evaluated: 2024-11-18. Review status: criteria provided, single submitter. Criteria: Invitae Variant Classification Sherloc (09022015). Collection method: clinical testing. Allele origin: germline.
Comment: This sequence change replaces alanine, which is neutral and non-polar, with valine, which is neutral and non-polar, at codon 8 of the MTMR14 protein (p.Ala8Val). This variant is not present in population databases (gnomAD no frequency). This variant has not been reported in the literature in individuals affected with MTMR14-related conditions. ClinVar contains an entry for this variant (Variation ID: 2956309). Experimental studies and prediction algorithms are not available or were not evaluated, and the functional significance of this variant is currently unknown. In summary, the available evidence is currently insufficient to determine the role of this variant in disease. Therefore, it has been classified as a Variant of Uncertain Significance.

NM_001077525.3(MTMR14):c.23C>T (p.Ala8Val)

Gene: MTMR14 (myotubularin related protein 14; plus strand). Cytogenetic location: 3p25.3.
Variant type: single nucleotide variant.
Coding change: c.23C>T on transcript NM_001077525.3 (MANE Select); coding-DNA position 23, C replaced by T.
Protein change: p.Ala8Val; replaces alanine 8 with valine.
Molecular consequence: missense variant. On other transcripts: 5 prime UTR variant (23), non-coding transcript variant (9).
Genome position (GRCh38, 1-based): chr3:9,649,606, C>T. VCF-style: chr3-9649606-C-T. GRCh37 (hg19) VCF-style: chr3-9691290-C-T.
Other names: c.23C>T, p.Ala8Val (NM_001077526.3, NM_001400519.1, NM_001400520.1 and 9 more transcripts); c.-111C>T (NM_001400518.1, NM_001400521.1, NM_001400525.1 and 4 more transcripts); c.-483C>T (NM_001400533.1, NM_001400539.1, NM_001400545.1); c.-544C>T (NM_001400534.1, NM_001400538.1, NM_001400541.1 and 2 more transcripts); c.-334C>T (NM_001400535.1); c.-511C>T (NM_001400540.1); c.-746C>T (NM_001400542.1); c.-305C>T (NM_001400543.1); and 4 more; short protein forms A8V.
Identifiers: ClinVar variation 2956309 (VCV002956309.3), dbSNP rs2470067328, ClinGen allele CA351803668.